The following is an entry in ClinVar:

ClinVar aggregate classification (germline): Benign/Likely benign. Review status: criteria provided, multiple submitters, no conflicts (2 of 4 stars). 3 submissions from 3 submitters: Benign (1); Likely benign (2). Last evaluated 2025-05-23.

Conditions:
Hereditary cancer-predisposing syndrome. Also called: Neoplastic Syndromes, Hereditary; Hereditary Cancer Syndrome; Hereditary neoplastic syndrome; Tumor predisposition. Identifiers: Orphanet 140162, MedGen C0027672, MeSH D009386, MONDO:0015356.
Familial adenomatous polyposis 1 (FAP1). Also called: POLYPOSIS, ADENOMATOUS INTESTINAL; FAMILIAL ADENOMATOUS POLYPOSIS 1, ATTENUATED. Identifiers: MedGen C2713442, MONDO:0021056, OMIM 175100. Disease mechanism: loss of function.

Allele frequency attached by ClinVar (database versions not stated): gnomAD exomes below 0.00001 and 0.00001; ExAC 0.00001.
gnomAD v4.1: 5 of 1,614,182 alleles (0.00031%); highest among the groups gnomAD compares: South Asian, 0.0044%; no homozygotes.

Submissions (3):

Labcorp Genetics (formerly Invitae), Labcorp
Classification: Likely benign for Familial adenomatous polyposis 1. Last evaluated: 2025-05-23. Review status: criteria provided, single submitter. Criteria: Invitae Variant Classification Sherloc (09022015). Collection method: clinical testing. Allele origin: germline.

Myriad Genetics, Inc.
Classification: Benign for Familial adenomatous polyposis 1. Last evaluated: 2024-03-15. Review status: criteria provided, single submitter. Criteria: Myriad Autosomal Dominant, Autosomal Recessive and X-Linked Classification Criteria (2023). Collection method: clinical testing. Allele origin: unknown.
Comment: This variant is considered benign. This variant is a silent/synonymous amino acid change and it is not expected to impact splicing.

Ambry Genetics
Classification: Likely benign for Hereditary cancer-predisposing syndrome. Last evaluated: 2023-11-09. Review status: criteria provided, single submitter. Criteria: Ambry Variant Classification Scheme 2023. Collection method: clinical testing. Allele origin: germline.

NM_000038.6(APC):c.2808T>C (p.Asn936=)

Gene: APC (APC regulator of Wnt signaling pathway; plus strand). Cytogenetic location: 5q22.2.
Variant type: single nucleotide variant.
Coding change: c.2808T>C on transcript NM_000038.6 (MANE Select); coding-DNA position 2808, T replaced by C.
Protein change: p.Asn936=; no amino-acid change (asparagine 936 retained).
Molecular consequence: synonymous variant.
Genome position (GRCh38, 1-based): chr5:112,838,402, T>C. VCF-style: chr5-112838402-T-C. GRCh37 (hg19) VCF-style: chr5-112174099-T-C.
Other names: c.2808T>C (NM_000038.5); c.2808T>C, p.Asn936= (NM_001127510.3, NM_001354895.2); c.2754T>C, p.Asn918= (NM_001127511.3); c.2862T>C, p.Asn954= (NM_001354896.2); c.2838T>C, p.Asn946= (NM_001354897.2); c.2733T>C, p.Asn911= (NM_001354898.2); c.2724T>C, p.Asn908= (NM_001354899.2); c.2685T>C, p.Asn895= (NM_001354900.2); and 6 more.
Identifiers: ClinVar variation 1118118 (VCV001118118.11), dbSNP rs757221580, ClinGen allele CA033511.